The following is an entry in ClinVar:

ClinVar aggregate classification (germline): Uncertain significance. Review status: criteria provided, multiple submitters, no conflicts (2 of 4 stars). 3 submissions from 3 submitters: Uncertain significance (3). Last evaluated 2024-10-19.

Conditions:
Inborn genetic diseases. Identifiers: MedGen C0950123, MeSH D030342.
Hyperphosphatasia with intellectual disability syndrome 5 (GPIBD11). Also called: GLYCOSYLPHOSPHATIDYLINOSITOL BIOSYNTHESIS DEFECT 11. Identifiers: Orphanet 247262, MedGen C4014958, MONDO:0014457, OMIM 616025.

Allele frequency attached by ClinVar (database versions not stated): gnomAD exomes 0.00010; ExAC 0.00012; gnomAD 0.00019 and 0.00020; ESP Exome Variant Server 0.00023.
gnomAD v4.1: 312 of 1,614,072 alleles (0.019%); highest among the groups gnomAD compares: Non-Finnish European, 0.025%; no homozygotes.

Submissions (3):

Ambry Genetics
Classification: Uncertain significance for Inborn genetic diseases. Last evaluated: 2024-10-19. Review status: criteria provided, single submitter. Criteria: Ambry Variant Classification Scheme 2023. Collection method: clinical testing. Allele origin: germline.

Blueprint Genetics
Classification: Uncertain significance. Last evaluated: 2024-10-08. Review status: criteria provided, single submitter. Criteria: ACMG Guidelines, 2015. Collection method: clinical testing. Allele origin: germline.

Labcorp Genetics (formerly Invitae), Labcorp
Classification: Uncertain significance for Hyperphosphatasia with intellectual disability syndrome 5. Last evaluated: 2022-10-24. Review status: criteria provided, single submitter. Criteria: Invitae Variant Classification Sherloc (09022015). Collection method: clinical testing. Allele origin: germline.
Comment: This sequence change replaces isoleucine, which is neutral and non-polar, with threonine, which is neutral and polar, at codon 414 of the PIGW protein (p.Ile414Thr). This variant is present in population databases (rs201893415, gnomAD 0.02%). This variant has not been reported in the literature in individuals affected with PIGW-related conditions. ClinVar contains an entry for this variant (Variation ID: 1502664). Algorithms developed to predict the effect of missense changes on protein structure and function output the following: SIFT: "Tolerated"; PolyPhen-2: "Benign"; Align-GVGD: "Class C0". The threonine amino acid residue is found in multiple mammalian species, which suggests that this missense change does not adversely affect protein function. In summary, the available evidence is currently insufficient to determine the role of this variant in disease. Therefore, it has been classified as a Variant of Uncertain Significance.

NM_001346754.2(PIGW):c.1241T>C (p.Ile414Thr)

Genes: MYO19 (myosin XIX; minus strand), PIGW (phosphatidylinositol glycan anchor biosynthesis class W; plus strand). Cytogenetic location: 17q12.
Variant type: single nucleotide variant.
Coding change: c.1241T>C on transcript NM_001346754.2 (MANE Select); coding-DNA position 1241, T replaced by C.
Protein change: p.Ile414Thr; replaces isoleucine 414 with threonine.
Molecular consequence: missense variant.
Genome position (GRCh38, 1-based): chr17:36,538,342, T>C. VCF-style: chr17-36538342-T-C. GRCh37 (hg19) VCF-style: chr17-34894191-T-C.
Other names: c.1241T>C, p.Ile414Thr (NM_001346755.2, NM_178517.5); c.1241T>C (NM_178517.3); short protein forms I414T.
Identifiers: ClinVar variation 1502664 (VCV001502664.6), dbSNP rs201893415, ClinGen allele CA290116701.